The following is an entry in ClinVar:

NM_005188.4(CBL):c.1130C>A (p.Thr377Lys)

Gene: CBL (Cbl proto-oncogene; plus strand). Cytogenetic location: 11q23.3.
Variant type: single nucleotide variant.
Coding change: c.1130C>A on transcript NM_005188.4 (MANE Select); coding-DNA position 1130, C replaced by A.
Protein change: p.Thr377Lys; replaces threonine 377 with lysine.
Molecular consequence: missense variant.
Genome position (GRCh38, 1-based): chr11:119,278,200, C>A. VCF-style: chr11-119278200-C-A. GRCh37 (hg19) VCF-style: chr11-119148910-C-A.
Other names: short protein forms T377K.
Identifiers: ClinVar variation 3827777 (VCV003827777.1).

ClinVar aggregate classification (germline): Uncertain significance (1 of 4 stars; one submission).

Conditions:
Cardiovascular phenotype. Identifiers: MedGen CN230736.

Submission:

Ambry Genetics
Classification: Uncertain significance for Cardiovascular phenotype. Last evaluated: 2024-12-15. Review status: criteria provided, single submitter. Criteria: Ambry Variant Classification Scheme 2023. Collection method: clinical testing. Allele origin: germline.
Comment: The p.T377K variant (also known as c.1130C>A), located in coding exon 8 of the CBL gene, results from a C to A substitution at nucleotide position 1130. The threonine at codon 377 is replaced by lysine, an amino acid with similar properties. This amino acid position is conserved. In addition, this alteration is predicted to be deleterious by in silico analysis. Based on the available evidence, the clinical significance of this variant remains unclear.